The following is an entry in ClinVar:

ClinVar aggregate classification (germline): Likely benign. Review status: criteria provided, multiple submitters, no conflicts (2 of 4 stars). 3 submissions from 3 submitters: Likely benign (3). Last evaluated 2026-08-01.

Conditions:
Familial thoracic aortic aneurysm and aortic dissection (TAAD). Also called: Thoracic aortic aneurysms and dissections. Identifiers: Orphanet 91387, MedGen C4707243, MONDO:0019625.
Shprintzen-Goldberg syndrome (SGS). Also called: SHPRINTZEN-GOLDBERG CRANIOSYNOSTOSIS SYNDROME; CRANIOSYNOSTOSIS WITH ARACHNODACTYLY AND ABDOMINAL HERNIAS; Marfanoid disorder with craniosynostosis type 1; Marfanoid craniosynostosis syndrome; Shprintzen-Goldberg marfanoid syndrome. Identifiers: Orphanet 2462, MedGen C1321551, MONDO:0008426, OMIM 182212.

Allele frequency attached by ClinVar (database versions not stated): gnomAD exomes 0.00001; TOPMed 0.00001.
gnomAD v4.1: 4 of 1,551,690 alleles (0.00026%); highest among the groups gnomAD compares: South Asian, 0.0012%; no homozygotes.

Submissions (3):

CeGaT Center for Human Genetics Tuebingen
Classification: Likely benign. Last evaluated: 2026-08-01. Review status: criteria provided, single submitter. Criteria: CeGaT Center For Human Genetics Tuebingen Variant Classification Criteria Version 2. Collection method: clinical testing. Allele origin: germline. Affected: yes. Observed: 1 variant allele.
Comment: SKI: BP4, BP7

Labcorp Genetics (formerly Invitae), Labcorp
Classification: Likely benign for Shprintzen-Goldberg syndrome. Last evaluated: 2025-06-27. Review status: criteria provided, single submitter. Criteria: Invitae Variant Classification Sherloc (09022015). Collection method: clinical testing. Allele origin: germline.

Ambry Genetics
Classification: Likely benign for Familial thoracic aortic aneurysm and aortic dissection. Last evaluated: 2021-06-09. Review status: criteria provided, single submitter. Criteria: Ambry Variant Classification Scheme 2023. Collection method: clinical testing. Allele origin: germline.

NM_003036.4(SKI):c.1509C>G (p.Ser503=)

Gene: SKI (SKI proto-oncogene; plus strand). Cytogenetic location: 1p36.32.
Variant type: single nucleotide variant.
Coding change: c.1509C>G on transcript NM_003036.4 (MANE Select); coding-DNA position 1509, C replaced by G.
Protein change: p.Ser503=; no amino-acid change (serine 503 retained).
Molecular consequence: synonymous variant.
Genome position (GRCh38, 1-based): chr1:2,304,327, C>G. VCF-style: chr1-2304327-C-G. GRCh37 (hg19) VCF-style: chr1-2235766-C-G.
Identifiers: ClinVar variation 764920 (VCV000764920.8), dbSNP rs1338756413, ClinGen allele CA415774819.